The following is an entry in ClinVar:

GRCh38/hg38 22q13.31-13.33(chr22:47705262-50739836)x1

Genes: ACR (acrosin; plus strand), ADM2 (adrenomedullin 2; plus strand), ALG12 (ALG12 alpha-1,6-mannosyltransferase; minus strand), ARSA (arylsulfatase A; minus strand), BRD1 (bromodomain containing 1; minus strand) and 219 more. Cytogenetic location: 22q13.31-13.33.
Variant type: copy number loss.
Change: copy number 1 (one copy instead of two) of chr22:47,705,262-50,739,836 (3.03 Mb, GRCh38 coordinates, 1-based), cytogenetic band 22q13.31-13.33.
Identifiers: ClinVar variation 57193 (VCV000057193.1).

ClinVar aggregate classification (germline): Pathogenic. Review status: criteria provided, multiple submitters, no conflicts (2 of 4 stars). 2 submissions from 2 submitters: Pathogenic (2). Last evaluated 2011-08-12.

Submissions (2):

ISCA site 17
Classification: Pathogenic. Last evaluated: 2011-08-12. Review status: criteria provided, single submitter. Criteria: Kaminsky et al. (Genet Med. 2011). Collection method: clinical testing. Allele origin: unknown. Affected: yes. Observed: 1 variant allele.
Comment: Copy number variation identified through the course of routine clinical cytogenomic testing in postnatal populations. Clinical assertions have been curated as described in Kaminsky et al. 2011.

ISCA site 4
Classification: Pathogenic. Last evaluated: 2011-08-12. Review status: criteria provided, single submitter. Criteria: Kaminsky et al. (Genet Med. 2011). Collection method: clinical testing. Allele origin: unknown. Affected: yes. Observed: 1 variant allele.
Comment: the same text as in the submission from ISCA site 17 above.